The following is an entry in ClinVar:

NM_007289.4(MME):c.2067C>A (p.Asn689Lys)

Gene: MME (membrane metalloendopeptidase; plus strand). Cytogenetic location: 3q25.2.
Variant type: single nucleotide variant.
Coding change: c.2067C>A on transcript NM_007289.4 (MANE Select); coding-DNA position 2067, C replaced by A.
Protein change: p.Asn689Lys; replaces asparagine 689 with lysine.
Molecular consequence: missense variant.
Genome position (GRCh38, 1-based): chr3:155,172,203, C>A. VCF-style: chr3-155172203-C-A. GRCh37 (hg19) VCF-style: chr3-154889992-C-A.
Other names: c.2067C>A, p.Asn689Lys (NM_007288.3, NM_000902.5, NM_001354642.2 and 2 more transcripts); short protein forms N689K.
Identifiers: ClinVar variation 872138 (VCV000872138.49), dbSNP rs146536523, ClinGen allele CA2675732.

ClinVar aggregate classification (germline): Uncertain significance. Review status: criteria provided, multiple submitters, no conflicts (2 of 4 stars). 5 submissions from 5 submitters: Uncertain significance (5). Last evaluated 2026-01-13.

Conditions:
Charcot-Marie-Tooth disease axonal type 2T. Identifiers: Orphanet 443950, MedGen C4015635, OMIM 617017, MONDO:0014866.

Allele frequency attached by ClinVar (database versions not stated): TOPMed 0.00008; gnomAD 0.00009; ESP Exome Variant Server 0.00015; gnomAD exomes 0.00020; ExAC 0.00024; 1000 Genomes Project 0.00040; 1000 Genomes Project 30x 0.00047.
gnomAD v4.1: 300 of 1,601,132 alleles (0.019%); highest among the groups gnomAD compares: Middle Eastern, 0.31%; 2 homozygotes.

Submissions (5):

GeneDx
Classification: Uncertain significance. Last evaluated: 2026-01-13. Review status: criteria provided, single submitter. Criteria: GeneDx Variant Classification Process June 2021. Collection method: clinical testing. Allele origin: germline. Affected: yes.
Comment: Previously reported in an individual with a clinical diagnosis of CMT2, who harbored a second MME variant on the opposite allele (in trans) in the published literature (PMID: 30415211); Reported in heterozygous state in an individual with neuropathy involving both upper and lower limb weakness and moderate loss of sensation to touch (PMID: 39251209); In silico analysis supports that this missense variant has a deleterious effect on protein structure/function; This variant is associated with the following publications: (PMID: 34426522, 34480178, 30415211, 39251209, Kennedy2021[abstract])

Labcorp Genetics (formerly Invitae), Labcorp
Classification: Uncertain significance. Last evaluated: 2024-12-16. Review status: criteria provided, single submitter. Criteria: Invitae Variant Classification Sherloc (09022015). Collection method: clinical testing. Allele origin: germline.
Comment: This sequence change replaces asparagine, which is neutral and polar, with lysine, which is basic and polar, at codon 689 of the MME protein (p.Asn689Lys). This variant is present in population databases (rs146536523, gnomAD 0.07%). This missense change has been observed in individual(s) with clinical features of MME-related conditions (PMID: 30415211). ClinVar contains an entry for this variant (Variation ID: 872138). Invitae Evidence Modeling of protein sequence and biophysical properties (such as structural, functional, and spatial information, amino acid conservation, physicochemical variation, residue mobility, and thermodynamic stability) indicates that this missense variant is expected to disrupt MME protein function with a positive predictive value of 80%. In summary, the available evidence is currently insufficient to determine the role of this variant in disease. Therefore, it has been classified as a Variant of Uncertain Significance.

Genomic Medicine Center of Excellence, King Faisal Specialist Hospital and Research Centre
Classification: Uncertain significance for Charcot-Marie-Tooth disease axonal type 2T. Last evaluated: 2024-04-04. Review status: criteria provided, single submitter. Criteria: ACMG Guidelines, 2015. Collection method: clinical testing. Allele origin: germline.

Women's Health and Genetics/Laboratory Corporation of America, LabCorp
Classification: Uncertain significance. Last evaluated: 2024-01-31. Review status: criteria provided, single submitter. Criteria: LabCorp Variant Classification Summary - May 2015. Collection method: clinical testing. Allele origin: germline.
Comment: Variant summary: MME c.2067C>A (p.Asn689Lys) results in a non-conservative amino acid change located in the Peptidase M13, C-terminal domain (IPR018497) of the encoded protein sequence. Five of five in-silico tools predict a damaging effect of the variant on protein function. The variant allele was found at a frequency of 0.0002 in 250440 control chromosomes (gnomAD). c.2067C>A has been reported in the literature in an individual affected with Charcot-Marie Disease Axonal Type 2 who was compound heterozygous with another variant of uncertain significance (Lupo_2018). This report does not provide unequivocal conclusions about association of the variant with Charcot-Marie Disease Axonal Type 2T. To our knowledge, no experimental evidence demonstrating an impact on protein function has been reported. The following publication has been ascertained in the context of this evaluation (PMID: 30415211). ClinVar contains an entry for this variant (Variation ID: 872138). Based on the evidence outlined above, the variant was classified as uncertain significance.

CeGaT Center for Human Genetics Tuebingen
Classification: Uncertain significance. Last evaluated: 2020-09-01. Review status: criteria provided, single submitter. Criteria: CeGaT Center For Human Genetics Tuebingen Variant Classification Criteria Version 2. Collection method: clinical testing. Allele origin: germline. Affected: yes. Observed: 3 variant alleles.

Literature cited by the submitters: PubMed 30415211 (cited by Labcorp Genetics (formerly Invitae), Labcorp and Women's Health and Genetics/Laboratory Corporation of America, LabCorp).